The following is an entry in ClinVar:

NM_001379200.1(TBX1):c.1093G>C (p.Gly365Arg)

Gene: TBX1 (T-box transcription factor 1; plus strand). Cytogenetic location: 22q11.21.
Variant type: single nucleotide variant.
Coding change: c.1093G>C on transcript NM_001379200.1 (MANE Select); coding-DNA position 1093, G replaced by C.
Protein change: p.Gly365Arg; replaces glycine 365 with arginine.
Molecular consequence: missense variant. On other transcripts: intron variant (2).
Genome position (GRCh38, 1-based): chr22:19,766,445, G>C. VCF-style: chr22-19766445-G-C. GRCh37 (hg19) VCF-style: chr22-19753968-G-C.
Other names: c.1066G>C, p.Gly356Arg (NM_080647.1); c.1009+443G>C (NM_005992.1, NM_080646.2); short protein forms G356R, G365R.
Identifiers: ClinVar variation 4865334 (VCV004865334.1).
Genomic context (GRCh38, chr22:19,766,445, plus strand): 5'-GCAGACGCGGCTGAGGCCCGGCGAGAATTCCAGCGCGACGCGGGCGGGCCAGCAGTGCTC[G>C]GGGACCCGGCGCATCCTCCGCAGCTGCTGGCCCGGGTGCTAAGCCCCTCGCTGCCCGGGG-3'
Protein context (NP_001366129.1, residues 355-375): QRDAGGPAVL[Gly365Arg]DPAHPPQLLA

ClinVar aggregate classification (germline): Uncertain significance (1 of 4 stars; one submission).

Conditions:
Cardiovascular phenotype. Identifiers: MedGen CN230736.

Submission:

Ambry Genetics
Classification: Uncertain significance for Cardiovascular phenotype. Last evaluated: 2026-05-01. Review status: criteria provided, single submitter. Criteria: Ambry Variant Classification Scheme 2023. Collection method: clinical testing. Allele origin: germline.
Comment: The p.G356R variant (also known as c.1066G>C), located in coding exon 8 of the TBX1 gene, results from a G to C substitution at nucleotide position 1066. The glycine at codon 356 is replaced by arginine, an amino acid with dissimilar properties. This amino acid position is not well conserved in available vertebrate species. In addition, this alteration is predicted to be tolerated by in silico analysis. Based on the available evidence, the clinical significance of this variant remains unclear.